The following is an entry in ClinVar:

ClinVar aggregate classification (germline): Likely benign. Review status: criteria provided, multiple submitters, no conflicts (2 of 4 stars). 3 submissions from 3 submitters: Likely benign (3). Last evaluated 2026-01-28.

Conditions:
CDH23-related disorder. Also called: CDH23-related disorders; CDH23-related condition.

Allele frequency attached by ClinVar (database versions not stated): TOPMed 0.00013.
gnomAD v4.1: 46 of 1,578,214 alleles (0.0029%); highest among the groups gnomAD compares: African/African-American, 0.045%; no homozygotes.

Submissions (3):

Labcorp Genetics (formerly Invitae), Labcorp
Classification: Likely benign. Last evaluated: 2026-01-28. Review status: criteria provided, single submitter. Criteria: Invitae Variant Classification Sherloc (09022015). Collection method: clinical testing. Allele origin: germline.

PreventionGenetics, part of Exact Sciences
Classification: Likely benign for CDH23-related condition. Last evaluated: 2025-03-28. Review status: criteria provided, single submitter. Criteria: ACMG Guidelines, 2015. Collection method: clinical testing. Allele origin: germline.
Comment: This variant is classified as likely benign based on ACMG/AMP sequence variant interpretation guidelines (Richards et al. 2015 PMID: 25741868, with internal and published modifications).

Blueprint Genetics
Classification: Likely benign. Last evaluated: 2024-08-24. Review status: criteria provided, single submitter. Criteria: ACMG Guidelines, 2015. Collection method: clinical testing. Allele origin: germline.

NM_022124.6(CDH23):c.8121G>A (p.Pro2707=)

Gene: CDH23 (cadherin related 23; plus strand). Cytogenetic location: 10q22.1.
Variant type: single nucleotide variant.
Coding change: c.8121G>A on transcript NM_022124.6 (MANE Select); coding-DNA position 8121, G replaced by A.
Protein change: p.Pro2707=; no amino-acid change (proline 2707 retained).
Molecular consequence: synonymous variant.
Genome position (GRCh38, 1-based): chr10:71,806,224, G>A. VCF-style: chr10-71806224-G-A. GRCh37 (hg19) VCF-style: chr10-73565981-G-A.
Other names: c.1401G>A, p.Pro467= (NM_001171933.1, NM_001171934.1).
Identifiers: ClinVar variation 765913 (VCV000765913.12), dbSNP rs377535432, ClinGen allele CA5546555.
Genomic context (GRCh38, chr10:71,806,224, plus strand): 5'-CTAGCTCATCTTGGTGGCCAGCGACCTGGGCCAGCCAGTGCCATACGAGACTATGCAGCC[G>A]CTGCAGGTGGCCCTGGAGGACATCGATGACAACGAACCCCTTTTCGTGAGGCCTCCAGTG-3'
Protein context (NP_071407.4, residues 2697-2717): GQPVPYETMQ[Pro2707=]LQVALEDIDD